The following is an entry in ClinVar:

NM_001009999.3(KDM1A):c.1115A>G (p.Glu372Gly)

Gene: KDM1A (lysine demethylase 1A; plus strand). Cytogenetic location: 1p36.12.
Variant type: single nucleotide variant.
Coding change: c.1115A>G on transcript NM_001009999.3 (MANE Select); coding-DNA position 1115, A replaced by G.
Protein change: p.Glu372Gly; replaces glutamic acid 372 with glycine.
Molecular consequence: missense variant.
Genome position (GRCh38, 1-based): chr1:23,059,115, A>G. VCF-style: chr1-23059115-A-G. GRCh37 (hg19) VCF-style: chr1-23385608-A-G.
Other names: c.1055A>G, p.Glu352Gly (NM_001363654.2, NM_001410763.1, NM_015013.4); c.1115A>G, p.Glu372Gly (NM_001410762.1); short protein forms E352G, E372G.
Identifiers: ClinVar variation 5023110 (VCV005023110.1).

ClinVar aggregate classification (germline): Uncertain significance (1 of 4 stars; one submission).

Conditions:
Inborn genetic diseases. Identifiers: MedGen C0950123, MeSH D030342.

Submission:

Ambry Genetics
Classification: Uncertain significance for Inborn genetic diseases. Last evaluated: 2026-09-08. Review status: criteria provided, single submitter. Criteria: Ambry Variant Classification Scheme 2023. Collection method: clinical testing. Allele origin: germline.
Comment: The p.E372G variant (also known as c.1115A>G), located in coding exon 9 of the KDM1A gene, results from an A to G substitution at nucleotide position 1115. The glutamic acid at codon 372 is replaced by glycine, an amino acid with similar properties. This amino acid position is conserved. In addition, the in silico prediction for this alteration is inconclusive. Based on the available evidence, the clinical significance of this variant remains unclear.